The following is an entry in ClinVar:

ClinVar aggregate classification (germline): Uncertain significance (1 of 4 stars; one submission).

Conditions:
Developmental and epileptic encephalopathy, 23 (DEE23). Also called: Epileptic encephalopathy, early infantile, 23. Identifiers: Orphanet 411986, MedGen C4014492, MONDO:0014371, OMIM 615859.

Allele frequency attached by ClinVar (database versions not stated): TOPMed below 0.00001; gnomAD 0.00001; gnomAD exomes 0.00002.
gnomAD v4.1: 33 of 1,613,556 alleles (0.002%); highest among the groups gnomAD compares: East Asian, 0.0022%; no homozygotes.

Submission:

Labcorp Genetics (formerly Invitae), Labcorp
Classification: Uncertain significance for Developmental and epileptic encephalopathy, 23. Last evaluated: 2025-03-17. Review status: criteria provided, single submitter. Criteria: Invitae Variant Classification Sherloc (09022015). Collection method: clinical testing. Allele origin: germline.
Comment: This sequence change replaces isoleucine, which is neutral and non-polar, with valine, which is neutral and non-polar, at codon 403 of the DOCK7 protein (p.Ile403Val). This variant is present in population databases (no rsID available, gnomAD 0.008%). This missense change has been observed in individual(s) with clinical features of DOCK7-related conditions (PMID: 31785789, 33057194). This variant is also known as 1:63096986T>C. ClinVar contains an entry for this variant (Variation ID: 1041449). Invitae Evidence Modeling of protein sequence and biophysical properties (such as structural, functional, and spatial information, amino acid conservation, physicochemical variation, residue mobility, and thermodynamic stability) indicates that this missense variant is not expected to disrupt DOCK7 protein function with a negative predictive value of 80%. In summary, the available evidence is currently insufficient to determine the role of this variant in disease. Therefore, it has been classified as a Variant of Uncertain Significance.

Literature cited by the submitters: PubMed 31785789; PubMed 33057194.

NM_001367561.1(DOCK7):c.1207A>G (p.Ile403Val)

Gene: DOCK7 (dedicator of cytokinesis 7; minus strand). Cytogenetic location: 1p31.3.
Variant type: single nucleotide variant.
Coding change: c.1207A>G on transcript NM_001367561.1 (MANE Select); coding-DNA position 1207, A replaced by G.
Protein change: p.Ile403Val; replaces isoleucine 403 with valine.
Molecular consequence: missense variant.
Genome position (GRCh38, 1-based): chr1:62,631,315, T>C on the plus strand (A>G on the coding strand, the complement: DOCK7 is on the minus strand). VCF-style: chr1-62631315-T-C. GRCh37 (hg19) VCF-style: chr1-63096986-T-C.
Other names: c.1207A>G, p.Ile403Val (NM_001271999.2, NM_001272000.2, NM_001272001.2 and 3 more transcripts); short protein forms I403V.
Identifiers: ClinVar variation 1041449 (VCV001041449.8), dbSNP rs1233679245, ClinGen allele CA340618903.